The following is an entry in ClinVar:

ClinVar aggregate classification (germline): Uncertain significance. Review status: criteria provided, multiple submitters, no conflicts (2 of 4 stars). 2 submissions from 2 submitters: Uncertain significance (2). Last evaluated 2024-12-18.

Conditions:
Hereditary cancer-predisposing syndrome. Also called: Neoplastic Syndromes, Hereditary; Tumor predisposition; Hereditary neoplastic syndrome; Hereditary Cancer Syndrome. Identifiers: Orphanet 140162, MedGen C0027672, MeSH D009386, MONDO:0015356.

Allele frequency attached by ClinVar (database versions not stated): gnomAD exomes below 0.00001; ExAC 0.00001.
gnomAD v4.1: 1 of 1,614,200 alleles (0.000062%); highest among the groups gnomAD compares: Non-Finnish European, 0.000085%; no homozygotes.

Submissions (2):

Labcorp Genetics (formerly Invitae), Labcorp
Classification: Uncertain significance. Last evaluated: 2024-12-18. Review status: criteria provided, single submitter. Criteria: Invitae Variant Classification Sherloc (09022015). Collection method: clinical testing. Allele origin: germline.
Comment: This sequence change replaces methionine, which is neutral and non-polar, with valine, which is neutral and non-polar, at codon 849 of the CTNNA1 protein (p.Met849Val). This variant is present in population databases (rs776231900, gnomAD 0.0009%). This variant has not been reported in the literature in individuals affected with CTNNA1-related conditions. ClinVar contains an entry for this variant (Variation ID: 1355214). Invitae Evidence Modeling of protein sequence and biophysical properties (such as structural, functional, and spatial information, amino acid conservation, physicochemical variation, residue mobility, and thermodynamic stability) indicates that this missense variant is not expected to disrupt CTNNA1 protein function with a negative predictive value of 80%. In summary, the available evidence is currently insufficient to determine the role of this variant in disease. Therefore, it has been classified as a Variant of Uncertain Significance.

Ambry Genetics
Classification: Uncertain significance for Hereditary cancer-predisposing syndrome. Last evaluated: 2024-01-20. Review status: criteria provided, single submitter. Criteria: Ambry Variant Classification Scheme 2023. Collection method: clinical testing. Allele origin: germline.
Comment: The p.M849V variant (also known as c.2545A>G), located in coding exon 17 of the CTNNA1 gene, results from an A to G substitution at nucleotide position 2545. The methionine at codon 849 is replaced by valine, an amino acid with highly similar properties. This amino acid position is highly conserved in available vertebrate species. In addition, this alteration is predicted to be tolerated by in silico analysis. Since supporting evidence is limited at this time, the clinical significance of this alteration remains unclear.

NM_001903.5(CTNNA1):c.2545A>G (p.Met849Val)

Gene: CTNNA1 (catenin alpha 1; plus strand). Cytogenetic location: 5q31.2.
Variant type: single nucleotide variant.
Coding change: c.2545A>G on transcript NM_001903.5 (MANE Select); coding-DNA position 2545, A replaced by G.
Protein change: p.Met849Val; replaces methionine 849 with valine.
Molecular consequence: missense variant. On other transcripts: 3 prime UTR variant (5).
Genome position (GRCh38, 1-based): chr5:138,933,913, A>G. VCF-style: chr5-138933913-A-G. GRCh37 (hg19) VCF-style: chr5-138269602-A-G.
Other names: c.*90A>G (NM_001290307.3, NM_001324002.1, NM_001324003.1 and 2 more transcripts); c.2236A>G, p.Met746Val (NM_001290309.3); c.2176A>G, p.Met726Val (NM_001290310.3); c.1435A>G, p.Met479Val (NM_001290312.1, NM_001323987.1, NM_001323988.1 and 12 more transcripts); c.2545A>G, p.Met849Val (NM_001323982.2, NM_001323983.1, NM_001323984.2); c.2518A>G, p.Met840Val (NM_001323985.2); c.2452A>G, p.Met818Val (NM_001323986.2); c.1300A>G, p.Met434Val (NM_001324001.1); and 3 more; short protein forms M366V, M746V, M479V, M840V, M434V, M726V, M849V, M398V.
Identifiers: ClinVar variation 1355214 (VCV001355214.10), dbSNP rs776231900, ClinGen allele CA3432265.